The following is an entry in ClinVar:

ClinVar aggregate classification (germline): Uncertain significance. Review status: criteria provided, multiple submitters, no conflicts (2 of 4 stars). 3 submissions from 3 submitters: Uncertain significance (3). Last evaluated 2026-02-28.

Conditions:
Familial adenomatous polyposis 1 (FAP1). Also called: FAMILIAL ADENOMATOUS POLYPOSIS 1, ATTENUATED; POLYPOSIS, ADENOMATOUS INTESTINAL. Identifiers: MedGen C2713442, MONDO:0021056, OMIM 175100. Disease mechanism: loss of function.
Hereditary cancer-predisposing syndrome. Also called: Neoplastic Syndromes, Hereditary; Hereditary neoplastic syndrome; Tumor predisposition; Hereditary Cancer Syndrome. Identifiers: Orphanet 140162, MedGen C0027672, MeSH D009386, MONDO:0015356.

Allele frequency attached by ClinVar (database versions not stated): gnomAD exomes below 0.00001.
gnomAD v4.1: 1 of 1,614,154 alleles (0.000062%); highest among the groups gnomAD compares: South Asian, 0.0011%; no homozygotes.

Submissions (3):

Ambry Genetics
Classification: Uncertain significance for Hereditary cancer-predisposing syndrome. Last evaluated: 2026-02-28. Review status: criteria provided, single submitter. Criteria: Ambry Variant Classification Scheme 2023. Collection method: clinical testing. Allele origin: germline.
Comment: The p.T816I variant (also known as c.2447C>T), located in coding exon 15 of the APC gene, results from a C to T substitution at nucleotide position 2447. The threonine at codon 816 is replaced by isoleucine, an amino acid with similar properties. This amino acid position is conserved. In addition, in silico predictors for this gene do not accurately predict pathogenicity. Based on the available evidence, the clinical significance of this variant remains unclear.

Color Diagnostics, LLC DBA Color Health
Classification: Uncertain significance for Hereditary cancer-predisposing syndrome. Last evaluated: 2023-12-05. Review status: criteria provided, single submitter. Criteria: ACMG Guidelines, 2015. Collection method: clinical testing. Allele origin: germline.
Comment: This missense variant replaces threonine with isoleucine at codon 816 of the APC protein. Computational prediction suggests that this variant may not impact protein structure and function (internally defined REVEL score threshold <= 0.5, PMID: 27666373). To our knowledge, functional studies have not been reported for this variant. This variant has not been reported in individuals affected with APC-related disorders in the literature. This variant has been identified in 1/250884 chromosomes in the general population by the Genome Aggregation Database (gnomAD). The available evidence is insufficient to determine the role of this variant in disease conclusively. Therefore, this variant is classified as a Variant of Uncertain Significance.

Labcorp Genetics (formerly Invitae), Labcorp
Classification: Uncertain significance for Familial adenomatous polyposis 1. Last evaluated: 2019-04-25. Review status: criteria provided, single submitter. Criteria: Invitae Variant Classification Sherloc (09022015). Collection method: clinical testing. Allele origin: germline.
Comment: This variant has not been reported in the literature in individuals with APC-related disease. In summary, the available evidence is currently insufficient to determine the role of this variant in disease. Therefore, it has been classified as a Variant of Uncertain Significance. This sequence change replaces threonine with isoleucine at codon 816 of the APC protein (p.Thr816Ile). The threonine residue is moderately conserved and there is a moderate physicochemical difference between threonine and isoleucine. Algorithms developed to predict the effect of missense changes on protein structure and function (SIFT, PolyPhen-2, Align-GVGD) all suggest that this variant is likely to be tolerated, but these predictions have not been confirmed by published functional studies and their clinical significance is uncertain. This variant is not present in population databases (ExAC no frequency).

NM_000038.6(APC):c.2447C>T (p.Thr816Ile)

Gene: APC (APC regulator of Wnt signaling pathway; plus strand). Cytogenetic location: 5q22.2.
Variant type: single nucleotide variant.
Coding change: c.2447C>T on transcript NM_000038.6 (MANE Select); coding-DNA position 2447, C replaced by T.
Protein change: p.Thr816Ile; replaces threonine 816 with isoleucine.
Molecular consequence: missense variant.
Genome position (GRCh38, 1-based): chr5:112,838,041, C>T. VCF-style: chr5-112838041-C-T. GRCh37 (hg19) VCF-style: chr5-112173738-C-T.
Other names: c.2447C>T, p.Thr816Ile (NM_001127510.3, NM_001354895.2); c.2393C>T, p.Thr798Ile (NM_001127511.3); c.2501C>T, p.Thr834Ile (NM_001354896.2); c.2477C>T, p.Thr826Ile (NM_001354897.2); c.2372C>T, p.Thr791Ile (NM_001354898.2); c.2363C>T, p.Thr788Ile (NM_001354899.2); c.2324C>T, p.Thr775Ile (NM_001354900.2); c.2270C>T, p.Thr757Ile (NM_001354901.2); and 5 more; short protein forms T725I, T834I, T690I, T715I, T775I, T791I, T816I, T533I.
Identifiers: ClinVar variation 651875 (VCV000651875.16), dbSNP rs1410017491, ClinGen allele CA16026709.